The following is an entry in ClinVar:

ClinVar aggregate classification (germline): Uncertain significance (1 of 4 stars; one submission).

Conditions:
Inborn genetic diseases. Identifiers: MedGen C0950123, MeSH D030342.

Submission:

Ambry Genetics
Classification: Uncertain significance for Inborn genetic diseases. Last evaluated: 2025-08-19. Review status: criteria provided, single submitter. Criteria: Ambry Variant Classification Scheme 2023. Collection method: clinical testing. Allele origin: germline.
Comment: The p.M388I variant (also known as c.1164G>A), located in coding exon 11 of the ACADVL gene, results from a G to A substitution at nucleotide position 1164. The methionine at codon 388 is replaced by isoleucine, an amino acid with highly similar properties. This amino acid position is conserved. In addition, the in silico prediction for this alteration is inconclusive. Based on the available evidence, the clinical significance of this variant remains unclear.

NM_000018.4(ACADVL):c.1164G>A (p.Met388Ile)

Gene: ACADVL (acyl-CoA dehydrogenase very long chain; plus strand). Cytogenetic location: 17p13.1.
Variant type: single nucleotide variant.
Coding change: c.1164G>A on transcript NM_000018.4 (MANE Select); coding-DNA position 1164, G replaced by A.
Protein change: p.Met388Ile; replaces methionine 388 with isoleucine.
Molecular consequence: missense variant.
Genome position (GRCh38, 1-based): chr17:7,223,219, G>A. VCF-style: chr17-7223219-G-A. GRCh37 (hg19) VCF-style: chr17-7126538-G-A.
Other names: c.1098G>A, p.Met366Ile (NM_001033859.3); c.1233G>A, p.Met411Ile (NM_001270447.2); c.936G>A, p.Met312Ile (NM_001270448.2); short protein forms M411I, M312I, M366I, M388I.
Identifiers: ClinVar variation 4211639 (VCV004211639.1).